The following is an entry in ClinVar:

NM_001267550.2(TTN):c.31700C>A (p.Pro10567His)

Gene: TTN (titin; minus strand). Cytogenetic location: 2q31.2.
Variant type: single nucleotide variant.
Coding change: c.31700C>A on transcript NM_001267550.2 (MANE Select); coding-DNA position 31700, C replaced by A.
Protein change: p.Pro10567His; replaces proline 10567 with histidine.
Molecular consequence: missense variant. On other transcripts: intron variant (3).
Genome position (GRCh38, 1-based): chr2:178,692,078, G>T on the plus strand (C>A on the coding strand, the complement: TTN is on the minus strand). VCF-style: chr2-178692078-G-T. GRCh37 (hg19) VCF-style: chr2-179556805-G-T.
Other names: c.30749C>A, p.Pro10250His (NM_001256850.1); c.27968C>A, p.Pro9323His (NM_133378.4); c.13282+46004C>A (NM_003319.4); c.13858+46004C>A (NM_133437.4); c.13657+46004C>A (NM_133432.3); short protein forms P10250H, P10567H, P9323H.
Identifiers: ClinVar variation 1179544 (VCV001179544.4), dbSNP rs147670220, ClinGen allele CA1998874.
Genomic context (GRCh38, chr2:178,692,078, plus strand): 5'-TTTGGGGGAGCAGCAGGTTCCTTCTTAGGCACAGGAACTGGCTTTTTCTCCTCTGGCACG[G>T]GTTTCTTGGGAACCTCAGGAACTTTAAAGATACAATTGTTGAAATAATGTGGAATATTCT-3'
Protein context (NP_001254479.2, residues 10557-10577): APKVPEVPKK[Pro10567His]VPEEKKPVPV

ClinVar aggregate classification (germline): Conflicting classifications of pathogenicity. Review status: criteria provided, conflicting classifications (1 of 4 stars). 3 submissions from 3 submitters: Uncertain significance (1); Likely benign (2). Last evaluated 2026-04-10.

Conditions:
TTN-related disorder. Also called: TTN-related disorders; TTN-related condition; TTN-related disease.

Allele frequency attached by ClinVar (database versions not stated): gnomAD exomes 0.00001 and 0.00003; ExAC 0.00003; gnomAD 0.00007; ESP Exome Variant Server 0.00008; 1000 Genomes Project 30x 0.00016; 1000 Genomes Project 0.00020.
gnomAD v4.1: 23 of 1,612,886 alleles (0.0014%); highest among the groups gnomAD compares: African/African-American, 0.028%; no homozygotes.

Submissions (3):

PreventionGenetics, part of Exact Sciences
Classification: Uncertain significance for TTN-related condition. Last evaluated: 2026-04-10. Review status: criteria provided, single submitter. Criteria: ACMG Guidelines, 2015. Collection method: clinical testing. Allele origin: germline.
Comment: The TTN c.31700C>A variant is predicted to result in the amino acid substitution p.Pro10567His. To our knowledge, this variant has not been reported in the literature. This variant is reported in 0.037% of alleles in individuals of African descent in gnomAD. At this time, the clinical significance of this variant is uncertain due to the absence of conclusive functional and genetic evidence.

GeneDx
Classification: Likely benign. Last evaluated: 2019-07-25. Review status: criteria provided, single submitter. Criteria: GeneDx Variant Classification Process June 2021. Collection method: clinical testing. Allele origin: germline. Affected: yes.

Breakthrough Genomics
Classification: Likely benign. Review status: criteria provided, single submitter. Criteria: ACMG Guidelines, 2015. Collection method: not provided. Allele origin: germline. Inheritance: Autosomal recessive inheritance. Affected: yes.